The following is an entry in ClinVar:

ClinVar aggregate classification (germline): Uncertain significance. Review status: criteria provided, single submitter (1 of 4 stars). 2 submissions from 2 submitters: Uncertain significance (1). 1 of the submissions does not count toward it. Last evaluated 2025-04-04.

Conditions:
COL4A3-related disorder. Also called: COL4A3-Related Disorders; COL4A3-related condition.

Allele frequency attached by ClinVar (database versions not stated): gnomAD 0.00001; ExAC 0.00002; gnomAD exomes 0.00001; TOPMed 0.00001.

Submissions (2):

Labcorp Genetics (formerly Invitae), Labcorp
Classification: Uncertain significance. Last evaluated: 2025-04-04. Review status: criteria provided, single submitter. Criteria: Invitae Variant Classification Sherloc (09022015). Collection method: clinical testing. Allele origin: germline.
Comment: This sequence change falls in intron 13 of the COL4A3 gene. It does not directly change the encoded amino acid sequence of the COL4A3 protein. This variant is present in population databases (rs765971336, gnomAD 0.01%). This variant has not been reported in the literature in individuals affected with COL4A3-related conditions. ClinVar contains an entry for this variant (Variation ID: 3061021). Algorithms developed to predict the effect of sequence changes on RNA splicing suggest that this variant may disrupt the consensus splice site. In summary, the available evidence is currently insufficient to determine the role of this variant in disease. Therefore, it has been classified as a Variant of Uncertain Significance.

PreventionGenetics, part of Exact Sciences
Classification: Likely benign for COL4A3-related condition. Last evaluated: 2021-09-15. Review status: no assertion criteria provided. Collection method: clinical testing. Allele origin: germline. Not counted in ClinVar's aggregate classification.
Comment: This variant is classified as likely benign based on ACMG/AMP sequence variant interpretation guidelines (Richards et al. 2015 PMID: 25741868, with internal and published modifications).

NM_000091.5(COL4A3):c.766-3dup

Genes: COL4A3 (collagen type IV alpha 3 chain; plus strand), MFF-DT (MFF divergent transcript; minus strand). Cytogenetic location: 2q36.3.
Variant type: Duplication.
Coding change: c.766-3dup on transcript NM_000091.5 (MANE Select); 3 bases into the intron before coding-DNA position 766, one base duplicated (C; older notation c.766-3dupC).
Molecular consequence: intron variant.
Genome position (GRCh38, 1-based): chr2:227,254,109, C duplicated. VCF-style (leftmost placement, unchanged base first): chr2-227254108-G-GC. GRCh37 (hg19) VCF-style: chr2-228118824-G-GC.
Identifiers: ClinVar variation 3061021 (VCV003061021.4), dbSNP rs765971336, ClinGen allele CA2146365.